The following is an entry in ClinVar:

NM_001083962.2(TCF4):c.1351G>C (p.Val451Leu)

Genes: TCF4 (transcription factor 4; minus strand), LOC121627832 (Sharpr-MPRA regulatory region 5538; plus strand). Cytogenetic location: 18q21.2.
Variant type: single nucleotide variant.
Coding change: c.1351G>C on transcript NM_001083962.2 (MANE Select); coding-DNA position 1351, G replaced by C.
Protein change: p.Val451Leu; replaces valine 451 with leucine.
Molecular consequence: missense variant.
Genome position (GRCh38, 1-based): chr18:55,234,683, C>G on the plus strand (G>C on the coding strand, the complement: TCF4 is on the minus strand). VCF-style: chr18-55234683-C-G. GRCh37 (hg19) VCF-style: chr18-52901914-C-G.
Other names: c.1351G>C (NM_001083962.1); c.1657G>C, p.Val553Leu (NM_001243226.3); c.1279G>C, p.Val427Leu (NM_001306207.1, NM_001369575.1, NM_001243227.2 and 5 more transcripts); c.1138G>C, p.Val380Leu (NM_001306208.1, NM_001243232.1); c.1348G>C, p.Val450Leu (NM_001330604.3, NM_001369573.1, NM_001369574.1 and 2 more transcripts); c.961G>C, p.Val321Leu (NM_001330605.3, NM_001348212.2, NM_001348213.2 and 1 more transcripts); c.1225G>C, p.Val409Leu (NM_001348211.2, NM_001243231.2); c.868G>C, p.Val290Leu (NM_001348214.2); and 7 more; short protein forms V235L, V321L, V409L, V457L, V553L, V380L, V426L, V428L.
Identifiers: ClinVar variation 2757484 (VCV002757484.4), dbSNP rs2048852348, ClinGen allele CA402532156.

ClinVar aggregate classification (germline): Uncertain significance. Review status: criteria provided, multiple submitters, no conflicts (2 of 4 stars). 2 submissions from 2 submitters: Uncertain significance (2). Last evaluated 2026-02-25.

Conditions:
Pitt-Hopkins syndrome (PTHS). Also called: ENCEPHALOPATHY, SEVERE EPILEPTIC, WITH AUTONOMIC DYSFUNCTION; MENTAL RETARDATION, SYNDROMAL, WITH INTERMITTENT HYPERVENTILATION. Identifiers: Orphanet 2896, MedGen C1970431, MONDO:0012589, OMIM 610954.

Submissions (2):

GeneDx
Classification: Uncertain significance. Last evaluated: 2026-02-25. Review status: criteria provided, single submitter. Criteria: GeneDx Variant Classification Process June 2021. Collection method: clinical testing. Allele origin: germline.
Comment: Not observed at significant frequency in large population cohorts (gnomAD); In silico analysis suggests that this missense variant does not alter protein structure/function; Has not been previously published as pathogenic or benign to our knowledge.

Labcorp Genetics (formerly Invitae), Labcorp
Classification: Uncertain significance for Pitt-Hopkins syndrome. Last evaluated: 2023-09-03. Review status: criteria provided, single submitter. Criteria: Invitae Variant Classification Sherloc (09022015). Collection method: clinical testing. Allele origin: germline.
Comment: This variant has not been reported in the literature in individuals affected with TCF4-related conditions. This variant is not present in population databases (gnomAD no frequency). This sequence change replaces valine, which is neutral and non-polar, with leucine, which is neutral and non-polar, at codon 451 of the TCF4 protein (p.Val451Leu). In summary, the available evidence is currently insufficient to determine the role of this variant in disease. Therefore, it has been classified as a Variant of Uncertain Significance. An algorithm developed to predict the effect of missense changes on protein structure and function (PolyPhen-2) suggests that this variant is likely to be tolerated.